The following is an entry in ClinVar:

NM_024649.5(BBS1):c.513_514del (p.Leu172fs)

Gene: BBS1 (Bardet-Biedl syndrome 1; plus strand). Cytogenetic location: 11q13.2.
Variant type: Deletion.
Coding change: c.513_514del on transcript NM_024649.5 (MANE Select); coding-DNA positions 513 to 514, 2 bases deleted (AC; older notation c.513_514delAC).
Protein change: p.Leu172fs; shifts the reading frame from leucine 172.
Molecular consequence: frameshift variant.
Genome position (GRCh38, 1-based): chr11:66,515,726-66,515,727, AC deleted; deleting any 2 consecutive bases within chr11:66,515,725-66,515,727 gives the same sequence; the c. name uses the placement nearest the transcript's 3' end. VCF-style (leftmost placement, unchanged base first): chr11-66515724-TCA-T. GRCh37 (hg19) VCF-style: chr11-66283195-TCA-T.
Other names: short protein forms L172fs.
Identifiers: ClinVar variation 5012893 (VCV005012893.1).
Genomic context (GRCh38, chr11:66,515,724, plus strand): 5'-GGCTGCCATGCTGGCCCCTTTCCTTGCAGGGAGACGGCAGAGGAGCCTTTGTCCATCCAG[TCA>T]CTCAGGTAAGGACCCTGTGGAGGGCCAGGGTTTGGGAGGCTCCAGGGAGAGGAAGCAGCC-3'

ClinVar aggregate classification (germline): Pathogenic (1 of 4 stars; one submission).

Conditions:
Bardet-Biedl syndrome 1 (BBS1). Identifiers: MedGen C2936862, MONDO:0008854, OMIM 209900. Disease mechanism: loss of function.

Submission:

Myriad Genetics, Inc.
Classification: Pathogenic for Bardet-Biedl syndrome 1. Last evaluated: 2024-04-03. Review status: criteria provided, single submitter. Criteria: Myriad Autosomal Dominant, Autosomal Recessive and X-Linked Classification Criteria (2023). Collection method: clinical testing. Allele origin: unknown.
Comment: NM_024649.4(BBS1):c.513_514delAC(L172Qfs*9) is expected to be pathogenic in the context of Bardet-Biedl syndrome, BBS1-related. This variant is predicted to lead to an abnormal or absent protein product due to the creation of a premature termination codon in BBS1, a gene where loss-of-function variants are known to be pathogenic. Please note: this variant was assessed in the context of healthy population screening.